The following is an entry in ClinVar:

ClinVar aggregate classification (germline): Uncertain significance. Review status: criteria provided, single submitter (1 of 4 stars). 2 submissions from 2 submitters: Uncertain significance (1). 1 of the submissions does not count toward it. Last evaluated 2025-02-10.

Submissions (2):

Labcorp Genetics (formerly Invitae), Labcorp
Classification: Uncertain significance. Last evaluated: 2025-02-10. Review status: criteria provided, single submitter. Criteria: Invitae Variant Classification Sherloc (09022015). Collection method: clinical testing. Allele origin: germline.
Comment: This sequence change replaces proline, which is neutral and non-polar, with serine, which is neutral and polar, at codon 441 of the FLNB protein (p.Pro441Ser). This variant is not present in population databases (gnomAD no frequency). This variant has not been reported in the literature in individuals affected with FLNB-related conditions. ClinVar contains an entry for this variant (Variation ID: 592076). Invitae Evidence Modeling of protein sequence and biophysical properties (such as structural, functional, and spatial information, amino acid conservation, physicochemical variation, residue mobility, and thermodynamic stability) indicates that this missense variant is not expected to disrupt FLNB protein function with a negative predictive value of 80%. In summary, the available evidence is currently insufficient to determine the role of this variant in disease. Therefore, it has been classified as a Variant of Uncertain Significance.

Gharavi Laboratory, Columbia University
Classification: Uncertain significance. Last evaluated: 2018-09-16. Review status: no assertion criteria provided. Criteria: ACMG Guidelines, 2015. Collection method: research. Allele origin: germline. Affected: yes. Not counted in ClinVar's aggregate classification.

NM_001457.4(FLNB):c.1321C>T (p.Pro441Ser)

Gene: FLNB (filamin B; plus strand). Cytogenetic location: 3p14.3.
Variant type: single nucleotide variant.
Coding change: c.1321C>T on transcript NM_001457.4 (MANE Select); coding-DNA position 1321, C replaced by T.
Protein change: p.Pro441Ser; replaces proline 441 with serine.
Molecular consequence: missense variant.
Genome position (GRCh38, 1-based): chr3:58,098,884, C>T. VCF-style: chr3-58098884-C-T. GRCh37 (hg19) VCF-style: chr3-58084611-C-T.
Other names: c.1321C>T, p.Pro441Ser (NM_001164317.2, NM_001164318.2, NM_001164319.2); short protein forms P441S.
Identifiers: ClinVar variation 592076 (VCV000592076.3), dbSNP rs745588918, ClinGen allele CA353337109.